The following is an entry in ClinVar:

NM_000179.3(MSH6):c.2018C>T (p.Pro673Leu)

Gene: MSH6 (mutS homolog 6; plus strand). Cytogenetic location: 2p16.3.
Variant type: single nucleotide variant.
Coding change: c.2018C>T on transcript NM_000179.3 (MANE Select); coding-DNA position 2018, C replaced by T.
Protein change: p.Pro673Leu; replaces proline 673 with leucine.
Molecular consequence: missense variant.
Genome position (GRCh38, 1-based): chr2:47,800,001, C>T. VCF-style: chr2-47800001-C-T. GRCh37 (hg19) VCF-style: chr2-48027140-C-T.
Other names: c.1628C>T, p.Pro543Leu (NM_001281492.2); c.1112C>T, p.Pro371Leu (NM_001281493.2, NM_001281494.2); short protein forms P673L, P371L, P543L.
Identifiers: ClinVar variation 219432 (VCV000219432.19), dbSNP rs864622085, ClinGen allele CA348430.
Genomic context (GRCh38, chr2:47,800,001, plus strand): 5'-TGATGTTACCCCAGGTGCTTAAAGGTATGACTTCAGAGTCTGATTCCATTGGGTTGACAC[C>T]AGGAGAGAAAAGTGAATTGGCCCTCTCTGCTCTAGGTGGTTGTGTCTTCTACCTCAAAAA-3'
Protein context (NP_000170.1, residues 663-683): TSESDSIGLT[Pro673Leu]GEKSELALSA

ClinVar aggregate classification (germline): Uncertain significance. Review status: criteria provided, multiple submitters, no conflicts (2 of 4 stars). 5 submissions from 5 submitters: Uncertain significance (5). Last evaluated 2025-05-12.

Conditions:
Hereditary nonpolyposis colorectal neoplasms. Identifiers: MedGen C0009405, MeSH D003123.
Hereditary cancer-predisposing syndrome. Also called: Hereditary neoplastic syndrome; Tumor predisposition; Hereditary Cancer Syndrome; Neoplastic Syndromes, Hereditary. Identifiers: Orphanet 140162, MedGen C0027672, MeSH D009386, MONDO:0015356.

Submissions (5):

Labcorp Genetics (formerly Invitae), Labcorp
Classification: Uncertain significance for Hereditary nonpolyposis colorectal neoplasms. Last evaluated: 2025-05-12. Review status: criteria provided, single submitter. Criteria: Invitae Variant Classification Sherloc (09022015). Collection method: clinical testing. Allele origin: germline.
Comment: This sequence change replaces proline, which is neutral and non-polar, with leucine, which is neutral and non-polar, at codon 673 of the MSH6 protein (p.Pro673Leu). This variant is not present in population databases (gnomAD no frequency). This missense change has been observed in individual(s) with clinical features of Lynch syndrome (PMID: 32941469). ClinVar contains an entry for this variant (Variation ID: 219432). Invitae Evidence Modeling of protein sequence and biophysical properties (such as structural, functional, and spatial information, amino acid conservation, physicochemical variation, residue mobility, and thermodynamic stability) has been performed for this missense variant. However, the output from this modeling did not meet the statistical confidence thresholds required to predict the impact of this variant on MSH6 protein function. In summary, the available evidence is currently insufficient to determine the role of this variant in disease. Therefore, it has been classified as a Variant of Uncertain Significance.

Ambry Genetics
Classification: Uncertain significance for Hereditary cancer-predisposing syndrome. Last evaluated: 2023-08-17. Review status: criteria provided, single submitter. Criteria: Ambry Variant Classification Scheme 2023. Collection method: clinical testing. Allele origin: germline.
Comment: The p.P673L variant (also known as c.2018C>T), located in coding exon 4 of the MSH6 gene, results from a C to T substitution at nucleotide position 2018. The proline at codon 673 is replaced by leucine, an amino acid with similar properties. This amino acid position is highly conserved in available vertebrate species. In addition, this alteration is predicted to be deleterious by in silico analysis. Since supporting evidence is limited at this time, the clinical significance of this alteration remains unclear.

Institute for Biomarker Research, Medical Diagnostic Laboratories, L.L.C.
Classification: Uncertain significance for Hereditary cancer-predisposing syndrome. Last evaluated: 2023-06-27. Review status: criteria provided, single submitter. Criteria: ACMG Guidelines, 2015. Collection method: clinical testing. Allele origin: germline.

Color Diagnostics, LLC DBA Color Health
Classification: Uncertain significance for Hereditary cancer-predisposing syndrome. Last evaluated: 2022-11-16. Review status: criteria provided, single submitter. Criteria: ACMG Guidelines, 2015. Collection method: clinical testing. Allele origin: germline.
Comment: This missense variant replaces proline with leucine at codon 673 of the MSH6 protein. Computational prediction suggests that this variant may have deleterious impact on protein structure and function (internally defined REVEL score threshold >= 0.7, PMID: 27666373). To our knowledge, functional studies have not been reported for this variant. This variant has been reported in an individual affected with endometrioid endometrial cancer that demonstrated loss of MSH6 protein by immunohistochemistry analyses, who also carried another missense variant in MSH6 (PMID: 32941469). This variant has not been identified in the general population by the Genome Aggregation Database (gnomAD). The available evidence is insufficient to determine the role of this variant in disease conclusively. Therefore, this variant is classified as a Variant of Uncertain Significance.

Women's Health and Genetics/Laboratory Corporation of America, LabCorp
Classification: Uncertain significance. Last evaluated: 2020-02-10. Review status: criteria provided, single submitter. Criteria: LabCorp Variant Classification Summary - May 2015. Collection method: clinical testing. Allele origin: germline.
Comment: Variant summary: MSH6 c.2018C>T (p.Pro673Leu) results in a non-conservative amino acid change located in the DNA mismatch repair protein MutS, connector domain (IPR007860) of the encoded protein sequence. Five of five in-silico tools predict a damaging effect of the variant on protein function. The variant was absent in 250906 control chromosomes (gnomAD). The available data on variant occurrences in the general population are insufficient to allow any conclusion about variant significance. To our knowledge, no occurrence of c.2018C>T in individuals affected with Hereditary Non-Polyposis Colon Cancer and no experimental evidence demonstrating its impact on protein function have been reported. Two ClinVar submitters (evaluation after 2014) cite the variant as uncertain significance. Based on the evidence outlined above, the variant was classified as uncertain significance.

Literature cited by the submitters: PubMed 32941469 (cited by Labcorp Genetics (formerly Invitae), Labcorp and Color Diagnostics, LLC DBA Color Health).